The following is an entry in ClinVar:

NM_177438.3(DICER1):c.352G>A (p.Asp118Asn)

Gene: DICER1 (dicer 1, ribonuclease III; minus strand). Cytogenetic location: 14q32.13.
Variant type: single nucleotide variant.
Coding change: c.352G>A on transcript NM_177438.3 (MANE Select); coding-DNA position 352, G replaced by A.
Protein change: p.Asp118Asn; replaces aspartic acid 118 with asparagine.
Molecular consequence: missense variant.
Genome position (GRCh38, 1-based): chr14:95,131,595, C>T on the plus strand (G>A on the coding strand, the complement: DICER1 is on the minus strand). VCF-style: chr14-95131595-C-T. GRCh37 (hg19) VCF-style: chr14-95597932-C-T.
Other names: c.352G>A, p.Asp118Asn (NM_001195573.1, NM_001271282.3, NM_001291628.2 and 1 more transcripts); short protein forms D118N.
Identifiers: ClinVar variation 823892 (VCV000823892.13), dbSNP rs557182925, ClinGen allele CA7331686.

ClinVar aggregate classification (germline): Conflicting classifications of pathogenicity. Review status: criteria provided, conflicting classifications (1 of 4 stars). 2 submissions from 2 submitters: Uncertain significance (1); Likely benign (1). Last evaluated 2025-06-03.

Conditions:
DICER1-related tumor predisposition. Also called: DICER1-related pleuropulmonary blastoma cancer predisposition syndrome; DICER1 syndrome. Identifiers: Orphanet 284343, MedGen C3839822, MONDO:0100216.
Hereditary cancer-predisposing syndrome. Also called: Neoplastic Syndromes, Hereditary; Hereditary Cancer Syndrome; Hereditary neoplastic syndrome; Tumor predisposition. Identifiers: Orphanet 140162, MedGen C0027672, MeSH D009386, MONDO:0015356.

Allele frequency attached by ClinVar (database versions not stated): gnomAD exomes below 0.00001; ExAC 0.00001; gnomAD 0.00002 and 0.00003; 1000 Genomes Project 0.00020; 1000 Genomes Project 30x 0.00031.

Submissions (2):

Labcorp Genetics (formerly Invitae), Labcorp
Classification: Uncertain significance for DICER1-related tumor predisposition. Last evaluated: 2025-06-03. Review status: criteria provided, single submitter. Criteria: Invitae Variant Classification Sherloc (09022015). Collection method: clinical testing. Allele origin: germline.
Comment: This sequence change replaces aspartic acid, which is acidic and polar, with asparagine, which is neutral and polar, at codon 118 of the DICER1 protein (p.Asp118Asn). This variant is present in population databases (rs557182925, gnomAD 0.003%). This variant has not been reported in the literature in individuals affected with DICER1-related conditions. ClinVar contains an entry for this variant (Variation ID: 823892). Invitae Evidence Modeling of protein sequence and biophysical properties (such as structural, functional, and spatial information, amino acid conservation, physicochemical variation, residue mobility, and thermodynamic stability) indicates that this missense variant is not expected to disrupt DICER1 protein function with a negative predictive value of 95%. In summary, the available evidence is currently insufficient to determine the role of this variant in disease. Therefore, it has been classified as a Variant of Uncertain Significance.

Ambry Genetics
Classification: Likely benign for Hereditary cancer-predisposing syndrome. Last evaluated: 2025-05-09. Review status: criteria provided, single submitter. Criteria: Ambry Variant Classification Scheme 2023. Collection method: clinical testing. Allele origin: germline.